The following is an entry in ClinVar:

ClinVar aggregate classification (germline): Likely benign (1 of 4 stars; one submission).

Allele frequency attached by ClinVar (database versions not stated): gnomAD 0.00018; TOPMed 0.00022; gnomAD exomes 0.00027; ExAC 0.00030; ESP Exome Variant Server 0.00031.

Submission:

CeGaT Center for Human Genetics Tuebingen
Classification: Likely benign. Last evaluated: 2023-08-01. Review status: criteria provided, single submitter. Criteria: CeGaT Center For Human Genetics Tuebingen Variant Classification Criteria Version 2. Collection method: clinical testing. Allele origin: germline. Affected: yes. Observed: 1 variant allele.
Comment: POLR2A: BP4, BP7

NM_000937.5(POLR2A):c.5538C>T (p.Tyr1846=)

Gene: POLR2A (RNA polymerase II subunit A; plus strand). Cytogenetic location: 17p13.1.
Variant type: single nucleotide variant.
Coding change: c.5538C>T on transcript NM_000937.5 (MANE Select); coding-DNA position 5538, C replaced by T.
Protein change: p.Tyr1846=; no amino-acid change (tyrosine 1846 retained).
Molecular consequence: synonymous variant.
Genome position (GRCh38, 1-based): chr17:7,513,804, C>T. VCF-style: chr17-7513804-C-T. GRCh37 (hg19) VCF-style: chr17-7417121-C-T.
Identifiers: ClinVar variation 2647365 (VCV002647365.24), dbSNP rs1058387, ClinGen allele CA8350598.